The following is an entry in ClinVar:

ClinVar aggregate classification (germline): Uncertain significance (1 of 4 stars; one submission).

Conditions:
Immunodeficiency. Identifiers: MedGen C0021051, MONDO:0021094, HP:0002721.

Allele frequency attached by ClinVar (database versions not stated): TOPMed below 0.00001.

Submission:

Labcorp Genetics (formerly Invitae), Labcorp
Classification: Uncertain significance for Immunodeficiency. Last evaluated: 2025-06-09. Review status: criteria provided, single submitter. Criteria: Invitae Variant Classification Sherloc (09022015). Collection method: clinical testing. Allele origin: germline.
Comment: This sequence change replaces glutamine, which is neutral and polar, with histidine, which is basic and polar, at codon 987 of the NFAT5 protein (p.Gln987His). This variant is not present in population databases (gnomAD no frequency). This variant has not been reported in the literature in individuals affected with NFAT5-related conditions. ClinVar contains an entry for this variant (Variation ID: 856924). An algorithm developed to predict the effect of missense changes on protein structure and function (PolyPhen-2) suggests that this variant is likely to be disruptive. In summary, the available evidence is currently insufficient to determine the role of this variant in disease. Therefore, it has been classified as a Variant of Uncertain Significance.

NM_138713.4(NFAT5):c.3243G>C (p.Gln1081His)

Gene: NFAT5 (nuclear factor of activated T cells 5; plus strand). Cytogenetic location: 16q22.1.
Variant type: single nucleotide variant.
Coding change: c.3243G>C on transcript NM_138713.4 (MANE Select); coding-DNA position 3243, G replaced by C.
Protein change: p.Gln1081His; replaces glutamine 1081 with histidine.
Molecular consequence: missense variant.
Genome position (GRCh38, 1-based): chr16:69,693,068, G>C. VCF-style: chr16-69693068-G-C. GRCh37 (hg19) VCF-style: chr16-69726971-G-C.
Other names: c.3240G>C, p.Gln1080His (NM_001113178.3); c.2568G>C, p.Gln856His (NM_001367709.1); c.3189G>C, p.Gln1063His (NM_006599.4); c.2961G>C, p.Gln987His (NM_138714.4, NM_173214.3, NM_173215.3); short protein forms Q1063H, Q1080H, Q1081H, Q856H, Q987H.
Identifiers: ClinVar variation 856924 (VCV000856924.9), dbSNP rs758918416, ClinGen allele CA283374111.